The following is an entry in ClinVar:

NM_022455.5(NSD1):c.4192+5G>C

Gene: NSD1 (nuclear receptor binding SET domain protein 1; plus strand). Cytogenetic location: 5q35.3.
Variant type: single nucleotide variant.
Coding change: c.4192+5G>C on transcript NM_022455.5 (MANE Select); 5 bases into the intron after coding-DNA position 4192, G replaced by C.
Molecular consequence: intron variant.
Genome position (GRCh38, 1-based): chr5:177,238,512, G>C. VCF-style: chr5-177238512-G-C. GRCh37 (hg19) VCF-style: chr5-176665513-G-C.
Other names: c.4192+5G>C (NM_001409301.1, NM_001409302.1, NM_001409303.1); c.3772+5G>C (NM_001409304.1); c.3439+5G>C (NM_001409305.1); c.3319+5G>C (NM_001409306.1, NM_001409308.1, NM_001409307.1 and 3 more transcripts).
Identifiers: ClinVar variation 3721761 (VCV003721761.2).

ClinVar aggregate classification (germline): Uncertain significance (1 of 4 stars; one submission).

Submission:

Labcorp Genetics (formerly Invitae), Labcorp
Classification: Uncertain significance. Last evaluated: 2024-09-29. Review status: criteria provided, single submitter. Criteria: Invitae Variant Classification Sherloc (09022015). Collection method: clinical testing. Allele origin: germline.
Comment: This sequence change falls in intron 7 of the NSD1 gene. It does not directly change the encoded amino acid sequence of the NSD1 protein. It affects a nucleotide within the consensus splice site. This variant is not present in population databases (gnomAD no frequency). This variant has not been reported in the literature in individuals affected with NSD1-related conditions. Variants that disrupt the consensus splice site are a relatively common cause of aberrant splicing (PMID: 17576681, 9536098). Algorithms developed to predict the effect of sequence changes on RNA splicing suggest that this variant is not likely to affect RNA splicing. In summary, the available evidence is currently insufficient to determine the role of this variant in disease. Therefore, it has been classified as a Variant of Uncertain Significance.

Literature cited by the submitters: PubMed 17576681; PubMed 9536098.